The following is an entry in ClinVar:

NC_000006.11:g.(?_30882014)_(30894237_?)dup

Gene: VARS2 (valyl-tRNA synthetase 2, mitochondrial; plus strand). Cytogenetic location: 6p21.33.
Variant type: Duplication.
Identifiers: ClinVar variation 4847903 (VCV004847903.1).

ClinVar aggregate classification (germline): Uncertain significance (1 of 4 stars; one submission).

Submission:

Women's Health and Genetics/Laboratory Corporation of America, LabCorp
Classification: Uncertain significance. Last evaluated: 2026-02-11. Review status: criteria provided, single submitter. Criteria: LabCorp Variant Classification Summary - May 2015. Collection method: clinical testing. Allele origin: germline.
Comment: Variant summary: The variant involves the duplication of exons 1-30 in the VARS2 gene (whole gene). A presumed nomenclature of c.(?_-135)_(*250_?)dup has been designated for the purposes of this classification. This duplication includes the entire coding sequence of the gene. As exact breakpoints are unknown, it may extend beyond the annotated region of the gene, to include other flanking genes. The variant was absent in 21694 control chromosomes. The available data on variant occurrences in the general population are insufficient to allow any conclusion about variant significance. To our knowledge, no occurrence of c.(?_-135)_(*250_?)dup in individuals affected with VARS2-related conditions and no experimental evidence demonstrating its impact on protein function have been reported. No submitters have cited clinical-significance assessments for this variant to ClinVar. Based on the evidence outlined above, the variant was classified as uncertain significance.